The following is an entry in ClinVar:

NM_032436.4(CHAMP1):c.475C>T (p.Pro159Ser)

Gene: CHAMP1 (chromosome alignment maintaining phosphoprotein 1; plus strand). Cytogenetic location: 13q34.
Variant type: single nucleotide variant.
Coding change: c.475C>T on transcript NM_032436.4 (MANE Select); coding-DNA position 475, C replaced by T.
Protein change: p.Pro159Ser; replaces proline 159 with serine.
Molecular consequence: missense variant.
Genome position (GRCh38, 1-based): chr13:114,324,317, C>T. VCF-style: chr13-114324317-C-T. GRCh37 (hg19) VCF-style: chr13-115089792-C-T.
Other names: c.475C>T, p.Pro159Ser (NM_001164144.3, NM_001164145.3); short protein forms P159S.
Identifiers: ClinVar variation 1030238 (VCV001030238.1), dbSNP rs2087209947, ClinGen allele CA388846478.

ClinVar aggregate classification (germline): Uncertain significance (1 of 4 stars; one submission).

Conditions:
Neurodevelopmental disorder with hypotonia, impaired language, and dysmorphic features. Also called: Intellectual disability, autosomal dominant 40. Identifiers: Orphanet 692193, MedGen C5676894, MONDO:0014699, OMIM 616579.

Submission:

Baylor Genetics
Classification: Uncertain significance for Neurodevelopmental disorder with hypotonia, impaired language, and dysmorphic features. Last evaluated: 2019-10-30. Review status: criteria provided, single submitter. Criteria: ACMG Guidelines, 2015. Collection method: clinical testing. Allele origin: unknown. Affected: yes.
Comment: This variant was determined to be of uncertain significance according to ACMG Guidelines, 2015 [PMID:25741868].